The following is an entry in ClinVar:

ClinVar aggregate classification (germline): Uncertain significance (1 of 4 stars; one submission).

gnomAD v4.1: 4 of 1,614,180 alleles (0.00025%); highest among the groups gnomAD compares: Admixed American, 0.0067%; no homozygotes.

Submission:

GeneDx
Classification: Uncertain significance. Last evaluated: 2023-06-27. Review status: criteria provided, single submitter. Criteria: GeneDx Variant Classification Process June 2021. Collection method: clinical testing. Allele origin: germline. Affected: yes.
Comment: Has not been previously published as pathogenic or benign to our knowledge; In silico analysis supports that this missense variant does not alter protein structure/function; Not observed at significant frequency in large population cohorts (gnomAD)

NM_001048166.1(STIL):c.2554A>G (p.Ser852Gly)

Gene: STIL (STIL centriolar assembly protein; minus strand). Cytogenetic location: 1p33.
Variant type: single nucleotide variant.
Coding change: c.2554A>G on transcript NM_001048166.1 (MANE Select); coding-DNA position 2554, A replaced by G.
Protein change: p.Ser852Gly; replaces serine 852 with glycine.
Molecular consequence: missense variant.
Genome position (GRCh38, 1-based): chr1:47,269,696, T>C on the plus strand (A>G on the coding strand, the complement: STIL is on the minus strand). VCF-style: chr1-47269696-T-C. GRCh37 (hg19) VCF-style: chr1-47735368-T-C.
Other names: c.2554A>G, p.Ser852Gly (NM_001282936.1, NM_001282937.1, NM_003035.2); c.2413A>G, p.Ser805Gly (NM_001282938.1, NM_001282939.1, NM_001377417.1); short protein forms S805G, S852G.
Identifiers: ClinVar variation 3360593 (VCV003360593.1).